The following is an entry in ClinVar:

NC_000017.10:g.(?_1478898)_(1642177_?)del

Genes: MIR22 (microRNA 22; minus strand), PRPF8 (pre-mRNA processing factor 8; minus strand), RILP (Rab interacting lysosomal protein; minus strand), SCARF1 (scavenger receptor class F member 1; minus strand), SLC43A2 (solute carrier family 43 member 2; minus strand) and 2 more. Cytogenetic location: 17p13.3.
Variant type: Deletion.
Identifiers: ClinVar variation 2423901 (VCV002423901.4).

ClinVar aggregate classification (germline): Pathogenic (1 of 4 stars; one submission).

Submission:

Labcorp Genetics (formerly Invitae), Labcorp
Classification: Pathogenic. Last evaluated: 2022-07-05. Review status: criteria provided, single submitter. Criteria: Invitae Variant Classification Sherloc (09022015). Collection method: clinical testing. Allele origin: germline.
Comment: A gross deletion of the genomic region encompassing the full coding sequence of the WDR81 gene has been identified. Loss-of-function variants in WDR81 are known to be pathogenic (PMID: 26437881). The boundaries of this event are unknown as they extend beyond the assayed region for this gene and therefore may encompass additional genes. This variant has not been reported in the literature in individuals affected with WDR81-related conditions. For these reasons, this variant has been classified as Pathogenic.

Literature cited by the submitters: PubMed 26437881.